The following is an entry in ClinVar:

NC_000013.11:g.32362524del

Gene: BRCA2 (BRCA2 DNA repair associated; plus strand). Cytogenetic location: 13q13.1.
Variant type: Deletion.
Genome position: GRCh38 VCF-style: chr13-32362521-AG-A. GRCh37 (hg19) VCF-style: chr13-32936658-AG-A.
Identifiers: ClinVar variation 1068982 (VCV001068982.7), dbSNP rs2137576349, ClinGen allele CA2499222312.
Genomic context (GRCh38, chr13:32,362,521, plus strand): 5'-TTGTTGAATTCAGTATCATCCTATGTGGTTTTTATGATAATATTCTACTTTTATTTGTTC[AG>A]GGCTCTGTGTGACACTCCAGGTGTGGATCCAAAGCTTATTTCTAGAATTTGGGTTTATAA-3'

ClinVar aggregate classification (germline): Pathogenic (1 of 4 stars; one submission).

Conditions:
Hereditary breast ovarian cancer syndrome. Also called: Breast and ovarian cancer; BRCA1- and BRCA2-Associated Hereditary Breast and Ovarian Cancer; Hereditary breast and ovarian cancer syndrome; Hereditary breast and/or ovarian cancer syndrome; Hereditary breast and ovarian cancer; Hereditary breast and ovarian cancer syndrome (HBOC). Identifiers: Orphanet 145, MedGen C0677776, MeSH D061325, MONDO:0003582. Disease mechanism: loss of function.

Submission:

Labcorp Genetics (formerly Invitae), Labcorp
Classification: Pathogenic for Hereditary breast ovarian cancer syndrome. Last evaluated: 2021-08-26. Review status: criteria provided, single submitter. Criteria: Invitae Variant Classification Sherloc (09022015). Collection method: clinical testing. Allele origin: germline.
Comment: This sequence change creates a premature translational stop signal (p.Ala2603Leufs*45) in the BRCA2 gene. It is expected to result in an absent or disrupted protein product. Loss-of-function variants in BRCA2 are known to be pathogenic (PMID: 20104584). This variant is not present in population databases (ExAC no frequency). This variant has not been reported in the literature in individuals affected with BRCA2-related conditions. For these reasons, this variant has been classified as Pathogenic.

Literature cited by the submitters: PubMed 20104584.